The following is an entry in ClinVar:

ClinVar aggregate classification (germline): Uncertain significance (1 of 4 stars; one submission).

Conditions:
Charcot-Marie-Tooth disease axonal type 2O. Also called: CHARCOT-MARIE-TOOTH NEUROPATHY, AXONAL, TYPE 2O; CHARCOT-MARIE-TOOTH DISEASE, AXONAL, AUTOSOMAL DOMINANT, TYPE 2O; Charcot-Marie-Tooth disease, axonal, type 20; Charcot-Marie-Tooth Neuropathy Type 2O. Identifiers: Orphanet 284232, MedGen C3280220, MONDO:0013644, OMIM 614228.

Submission:

Labcorp Genetics (formerly Invitae), Labcorp
Classification: Uncertain significance for Charcot-Marie-Tooth disease axonal type 2O. Last evaluated: 2022-01-13. Review status: criteria provided, single submitter. Criteria: Invitae Variant Classification Sherloc (09022015). Collection method: clinical testing. Allele origin: germline.
Comment: In summary, the available evidence is currently insufficient to determine the role of this variant in disease. Therefore, it has been classified as a Variant of Uncertain Significance. Advanced modeling of protein sequence and biophysical properties (such as structural, functional, and spatial information, amino acid conservation, physicochemical variation, residue mobility, and thermodynamic stability) performed at Invitae indicates that this missense variant is not expected to disrupt DYNC1H1 protein function. This variant has not been reported in the literature in individuals affected with DYNC1H1-related conditions. This variant is not present in population databases (gnomAD no frequency). This sequence change replaces glutamine, which is neutral and polar, with arginine, which is basic and polar, at codon 4589 of the DYNC1H1 protein (p.Gln4589Arg).

NM_001376.5(DYNC1H1):c.13766A>G (p.Gln4589Arg)

Gene: DYNC1H1 (dynein cytoplasmic 1 heavy chain 1; plus strand). Cytogenetic location: 14q32.31.
Variant type: single nucleotide variant.
Coding change: c.13766A>G on transcript NM_001376.5 (MANE Select); coding-DNA position 13766, A replaced by G.
Protein change: p.Gln4589Arg; replaces glutamine 4589 with arginine.
Molecular consequence: missense variant.
Genome position (GRCh38, 1-based): chr14:102,050,152, A>G. VCF-style: chr14-102050152-A-G. GRCh37 (hg19) VCF-style: chr14-102516489-A-G.
Other names: short protein forms Q4589R.
Identifiers: ClinVar variation 2082056 (VCV002082056.4), dbSNP rs2503891732, ClinGen allele CA391051950.